The following is an entry in ClinVar:

NM_014908.4(DOLK):c.1360G>T (p.Ala454Ser)

Gene: DOLK (dolichol kinase; minus strand). Cytogenetic location: 9q34.11.
Variant type: single nucleotide variant.
Coding change: c.1360G>T on transcript NM_014908.4 (MANE Select); coding-DNA position 1360, G replaced by T.
Protein change: p.Ala454Ser; replaces alanine 454 with serine.
Molecular consequence: missense variant.
Genome position (GRCh38, 1-based): chr9:128,945,944, C>A on the plus strand (G>T on the coding strand, the complement: DOLK is on the minus strand). VCF-style: chr9-128945944-C-A. GRCh37 (hg19) VCF-style: chr9-131708223-C-A.
Other names: short protein forms A454S.
Identifiers: ClinVar variation 3273488 (VCV003273488.1).

ClinVar aggregate classification (germline): Uncertain significance (1 of 4 stars; one submission).

Conditions:
Cardiovascular phenotype. Identifiers: MedGen CN230736.

Submission:

Ambry Genetics
Classification: Uncertain significance for Cardiovascular phenotype. Last evaluated: 2024-06-22. Review status: criteria provided, single submitter. Criteria: Ambry Variant Classification Scheme 2023. Collection method: clinical testing. Allele origin: germline.
Comment: The p.A454S variant (also known as c.1360G>T), located in coding exon 1 of the DOLK gene, results from a G to T substitution at nucleotide position 1360. The alanine at codon 454 is replaced by serine, an amino acid with similar properties. This amino acid position is conserved. In addition, this alteration is predicted to be deleterious by in silico analysis. Based on the available evidence, the clinical significance of this variant remains unclear.